The following is an entry in ClinVar:

NM_001197104.2(KMT2A):c.3704A>G (p.Lys1235Arg)

Gene: KMT2A (lysine methyltransferase 2A; plus strand). Cytogenetic location: 11q23.3.
Variant type: single nucleotide variant.
Coding change: c.3704A>G on transcript NM_001197104.2 (MANE Select); coding-DNA position 3704, A replaced by G.
Protein change: p.Lys1235Arg; replaces lysine 1235 with arginine.
Molecular consequence: missense variant.
Genome position (GRCh38, 1-based): chr11:118,481,784, A>G. VCF-style: chr11-118481784-A-G. GRCh37 (hg19) VCF-style: chr11-118352499-A-G.
Other names: c.3704A>G, p.Lys1235Arg (NM_005933.4); short protein forms K1235R.
Identifiers: ClinVar variation 1313081 (VCV001313081.7), dbSNP rs1325884084, ClinGen allele CA382827338.

ClinVar aggregate classification (germline): Uncertain significance. Review status: criteria provided, multiple submitters, no conflicts (2 of 4 stars). 2 submissions from 2 submitters: Uncertain significance (2). Last evaluated 2023-07-17.

gnomAD v4.1: 10 of 1,614,270 alleles (0.00062%); highest among the groups gnomAD compares: Non-Finnish European, 0.00085%; no homozygotes.

Submissions (2):

Labcorp Genetics (formerly Invitae), Labcorp
Classification: Uncertain significance. Last evaluated: 2023-07-17. Review status: criteria provided, single submitter. Criteria: Invitae Variant Classification Sherloc (09022015). Collection method: clinical testing. Allele origin: germline.
Comment: In summary, the available evidence is currently insufficient to determine the role of this variant in disease. Therefore, it has been classified as a Variant of Uncertain Significance. This sequence change replaces lysine, which is basic and polar, with arginine, which is basic and polar, at codon 1235 of the KMT2A protein (p.Lys1235Arg). This variant is not present in population databases (gnomAD no frequency). This variant has not been reported in the literature in individuals affected with KMT2A-related conditions. ClinVar contains an entry for this variant (Variation ID: 1313081). Advanced modeling of protein sequence and biophysical properties (such as structural, functional, and spatial information, amino acid conservation, physicochemical variation, residue mobility, and thermodynamic stability) has been performed at Invitae for this missense variant, however the output from this modeling did not meet the statistical confidence thresholds required to predict the impact of this variant on KMT2A protein function.

GeneDx
Classification: Uncertain significance. Last evaluated: 2020-07-21. Review status: criteria provided, single submitter. Criteria: GeneDx Variant Classification Process June 2021. Collection method: clinical testing. Allele origin: germline. Affected: yes.
Comment: Not observed in large population cohorts (Lek et al., 2016); In silico analysis supports that this missense variant does not alter protein structure/function; Has not been previously published as pathogenic or benign to our knowledge